The following is an entry in ClinVar:

NM_201253.3(CRB1):c.416G>T (p.Gly139Val)

Gene: CRB1 (crumbs cell polarity complex component 1; plus strand). Cytogenetic location: 1q31.3.
Variant type: single nucleotide variant.
Coding change: c.416G>T on transcript NM_201253.3 (MANE Select); coding-DNA position 416, G replaced by T.
Protein change: p.Gly139Val; replaces glycine 139 with valine.
Molecular consequence: missense variant. On other transcripts: non-coding transcript variant (2).
Genome position (GRCh38, 1-based): chr1:197,328,767, G>T. VCF-style: chr1-197328767-G-T. GRCh37 (hg19) VCF-style: chr1-197297897-G-T.
Other names: c.416G>T, p.Gly139Val (NM_001193640.2, NM_001257966.2); c.209G>T, p.Gly70Val (NM_001257965.2); short protein forms G139V, G70V.
Identifiers: ClinVar variation 3750338 (VCV003750338.2).

ClinVar aggregate classification (germline): Uncertain significance (1 of 4 stars; one submission).

Conditions:
Leber congenital amaurosis 8 (LCA8). Identifiers: Orphanet 65, MedGen C3151202, MONDO:0013453, OMIM 613835.
Retinitis pigmentosa 12 (RP12). Also called: RP WITH OR WITHOUT PRESERVED PARAARTERIOLE RETINAL PIGMENT EPITHELIUM; RETINITIS PIGMENTOSA WITH OR WITHOUT PARAARTERIOLAR PRESERVATION OF RETINAL PIGMENT EPITHELIUM; RP WITH OR WITHOUT PPRPE. Identifiers: Orphanet 791, MedGen C1838647, MONDO:0010818, OMIM 600105.

Submission:

Labcorp Genetics (formerly Invitae), Labcorp
Classification: Uncertain significance for Leber congenital amaurosis 8; Retinitis pigmentosa 12. Last evaluated: 2024-08-27. Review status: criteria provided, single submitter. Criteria: Invitae Variant Classification Sherloc (09022015). Collection method: clinical testing. Allele origin: germline.
Comment: This sequence change replaces glycine, which is neutral and non-polar, with valine, which is neutral and non-polar, at codon 139 of the CRB1 protein (p.Gly139Val). This variant is not present in population databases (gnomAD no frequency). This variant has not been reported in the literature in individuals affected with CRB1-related conditions. Invitae Evidence Modeling of protein sequence and biophysical properties (such as structural, functional, and spatial information, amino acid conservation, physicochemical variation, residue mobility, and thermodynamic stability) indicates that this missense variant is expected to disrupt CRB1 protein function with a positive predictive value of 95%. In summary, the available evidence is currently insufficient to determine the role of this variant in disease. Therefore, it has been classified as a Variant of Uncertain Significance.